The following is an entry in ClinVar:

NM_052859.4(RFT1):c.740dup (p.Lys248fs)

Gene: RFT1 (RFT1 glycolipid translocator homolog; minus strand). Cytogenetic location: 3p21.1.
Variant type: Duplication.
Coding change: c.740dup on transcript NM_052859.4 (MANE Select); coding-DNA position 740, one base duplicated (T; older notation c.740dupT).
Protein change: p.Lys248fs; shifts the reading frame from lysine 248.
Molecular consequence: frameshift variant.
Genome position (GRCh38, 1-based): chr3:53,111,865, A duplicated on the plus strand (T on the coding strand, the reverse complement: RFT1 is on the minus strand); the first of 6 consecutive A bases (chr3:53,111,865-53,111,870); duplicating any one gives the same sequence. VCF-style (leftmost placement, unchanged base first): chr3-53111864-G-GA. GRCh37 (hg19) VCF-style: chr3-53145880-G-GA.
Other names: short protein forms K248fs.
Identifiers: ClinVar variation 931309 (VCV000931309.3), dbSNP rs1701662808, ClinGen allele CA1139658135.

ClinVar aggregate classification (germline): Likely pathogenic (1 of 4 stars; one submission).

Conditions:
RFT1-congenital disorder of glycosylation (CDG1N). Also called: CDG In; Congenital disorder of glycosylation type In; RFT1-CDG. Identifiers: Orphanet 244310, MedGen C2677590, MONDO:0012783, OMIM 612015.

Submission:

Centre for Mendelian Genomics, University Medical Centre Ljubljana
Classification: Likely pathogenic for RFT1-congenital disorder of glycosylation. Last evaluated: 2020-04-02. Review status: criteria provided, single submitter. Criteria: ACMG Guidelines, 2015. Collection method: clinical testing. Allele origin: unknown. Affected: yes.
Comment: This variant was classified as: Likely pathogenic. The following ACMG criteria were applied in classifying this variant: PVS1,PM2.